The following is an entry in ClinVar:

NM_004360.5(CDH1):c.521dup (p.Asn174fs)

Gene: CDH1 (cadherin 1; plus strand). Cytogenetic location: 16q22.1.
Variant type: Duplication.
Coding change: c.521dup on transcript NM_004360.5 (MANE Select); coding-DNA position 521, one base duplicated (A; older notation c.521dupA).
Protein change: p.Asn174fs; shifts the reading frame from asparagine 174.
Molecular consequence: frameshift variant. On other transcripts: 5 prime UTR variant (2).
Genome position (GRCh38, 1-based): chr16:68,808,557, A duplicated; the last of 5 consecutive A bases (chr16:68,808,553-68,808,557); duplicating any one gives the same sequence. VCF-style (leftmost placement, unchanged base first): chr16-68808552-T-TA. GRCh37 (hg19) VCF-style: chr16-68842455-T-TA.
Other names: c.521dup (LRG_301t1, NM_004360.3, NM_004360.4); c.521dup, p.Asn174fs (NM_001317184.2); c.-1095dup (NM_001317185.2); c.-1299dup (NM_001317186.2); short protein forms N174fs.
Identifiers: ClinVar variation 140803 (VCV000140803.22), dbSNP rs587781290, ClinGen allele CA163603.

ClinVar aggregate classification (germline): Pathogenic. Review status: reviewed by expert panel (3 of 4 stars). 8 submissions from 8 submitters: Pathogenic (1). 7 of the submissions do not count toward it. Last evaluated 2023-08-25.

Conditions:
CDH1-related diffuse gastric and lobular breast cancer syndrome. Also called: CDH1-related diffuse gastric and lobular breast cancer. Identifiers: MedGen CN311521, MONDO:0100488.
Hereditary cancer-predisposing syndrome. Also called: Neoplastic Syndromes, Hereditary; Hereditary Cancer Syndrome; Hereditary neoplastic syndrome; Tumor predisposition. Identifiers: Orphanet 140162, MedGen C0027672, MeSH D009386, MONDO:0015356.
Hereditary diffuse gastric adenocarcinoma (HDGC). Also called: DIFFUSE GASTRIC AND LOBULAR BREAST CANCER SYNDROME. Identifiers: Orphanet 26106, MedGen C1708349, MONDO:0007648, OMIM 137215.

Submissions (8):

Clingen Gastric Cancer Variant Curation Expert Panel
Classification: Pathogenic for CDH1-related diffuse gastric and lobular breast cancer syndrome. Last evaluated: 2023-08-25. Review status: reviewed by expert panel. Criteria: ClinGen CDH1 ACMG Specifications V3.1. Collection method: curation. Allele origin: germline. Inheritance: Autosomal dominant inheritance.
Comment: The c.521dupA p.(Asn174Lysfs) variant is predicted to result in a premature stop codon that leads to a truncated or absent protein (PVS1, PM5_Supporting). The variant is absent in the gnomAD cohort (PM2_Supporting). This variant has been reported in at least two families meeting HDGC clinical criteria (PS4_Moderate; PMID: 17660459 and doi:10.1200/PO.16.00021). Therefore, this variant meets criteria to be classified as pathogenic based on the ACMG/AMP criteria applied as specified by the CDH1 Variant Curation Expert Panel (Variant Interpretation Guidelines Version 3.1): PVS1, PM2_Supporting, PS4_Moderate, PM5_Supporting.

Labcorp Genetics (formerly Invitae), Labcorp
Classification: Pathogenic for Hereditary diffuse gastric adenocarcinoma. Last evaluated: 2025-12-03. Review status: criteria provided, single submitter. Criteria: Invitae Variant Classification Sherloc (09022015). Collection method: clinical testing. Allele origin: germline. Not counted in ClinVar's aggregate classification.
Comment: This sequence change creates a premature translational stop signal (p.Asn174Lysfs*25) in the CDH1 gene. It is expected to result in an absent or disrupted protein product. Loss-of-function variants in CDH1 are known to be pathogenic (PMID: 15235021, 20373070). This variant is not present in population databases (gnomAD no frequency). This premature translational stop signal has been observed in individual(s) with lobular breast cancer (PMID: 17660459). ClinVar contains an entry for this variant (Variation ID: 140803). For these reasons, this variant has been classified as Pathogenic.

Ambry Genetics
Classification: Pathogenic for Hereditary cancer-predisposing syndrome. Last evaluated: 2025-07-24. Review status: criteria provided, single submitter. Criteria: Ambry Variant Classification Scheme 2023. Collection method: clinical testing. Allele origin: germline. Not counted in ClinVar's aggregate classification.
Comment: The c.521dupA pathogenic mutation, located in coding exon 4 of the CDH1 gene, results from a duplication of A at position 521, causing a translational frameshift with a predicted alternate stop codon (p.N174Kfs*25). There were no other known breast or gastric cancers in the family (Masciari S et al. J Med Genet. 2007 Nov;44(11):726-31). It was also seen in two breast cancer patients who underwent multigene panel testing (Desmond A et al. JAMA Oncol. 2015 Oct;1(7):943-51). This mutation is also referred to as c.517insA in the literature. This variant is considered to be rare based on population cohorts in the Genome Aggregation Database (gnomAD). In addition to the clinical data presented in the literature, this alteration is expected to result in loss of function by premature protein truncation or nonsense-mediated mRNA decay. As such, this alteration is interpreted as a disease-causing mutation.

Myriad Genetics, Inc.
Classification: Pathogenic for Hereditary diffuse gastric adenocarcinoma. Last evaluated: 2023-06-09. Review status: criteria provided, single submitter. Criteria: Myriad Autosomal Dominant, Autosomal Recessive and X-Linked Classification Criteria (2023). Collection method: clinical testing. Allele origin: unknown. Not counted in ClinVar's aggregate classification.
Comment: This variant is considered pathogenic. This variant creates a frameshift predicted to result in premature protein truncation.

European Reference Network on Genetic Tumour Risk Syndromes (ERN-GENTURIS), i3s - Instituto de Investigação e Inovação em Saúde, University of Porto
Classification: Pathogenic for Hereditary diffuse gastric adenocarcinoma. Last evaluated: 2022-08-01. Review status: criteria provided, single submitter. Criteria: Lee et al. (Hum Mutat. 2018). Collection method: clinical testing. Allele origin: germline. Inheritance: Autosomal dominant inheritance. Affected: yes. Study: ERN GENTURIS. Not counted in ClinVar's aggregate classification.
Comment: PVS1; PS4_Moderate; PM2 (PMID: 30311375)

GeneDx
Classification: Pathogenic. Last evaluated: 2021-05-17. Review status: criteria provided, single submitter. Criteria: GeneDx Variant Classification Process June 2021. Collection method: clinical testing. Allele origin: germline. Affected: yes. Not counted in ClinVar's aggregate classification.
Comment: Frameshift variant predicted to result in protein truncation or nonsense mediated decay in a gene for which loss-of-function is a known mechanism of disease; Not observed in large population cohorts (Lek 2016); This variant is associated with the following publications: (PMID: 24763289, 18046629, 17660459, 21271559, 26759166, 26182300, 20373070, 22524656, 22098830, 25186627, 26270727, 28152038, 29468433, 27720647, 29376063, 30745422)

Clinical Genetics and Genomics, Karolinska University Hospital
Classification: Pathogenic. Last evaluated: 2017-03-17. Review status: criteria provided, single submitter. Criteria: ACMG Guidelines, 2015. Collection method: clinical testing. Allele origin: germline. Affected: yes. Observed: 2 variant alleles. Not counted in ClinVar's aggregate classification.

OMIM
Classification: Pathogenic for DIFFUSE GASTRIC AND LOBULAR BREAST CANCER SYNDROME. Last evaluated: 2007-11-01. Review status: no assertion criteria provided. Collection method: literature only. Allele origin: germline. Not counted in ClinVar's aggregate classification.

Literature cited by the submitters: PubMed 25186627 (cited by Clingen Gastric Cancer Variant Curation Expert Panel); PubMed 26270727 (cited by Clingen Gastric Cancer Variant Curation Expert Panel and Ambry Genetics); PubMed 24763289 (cited by Clingen Gastric Cancer Variant Curation Expert Panel); PubMed 17660459 (cited by 4 submitters); PubMed 15235021 (cited by Labcorp Genetics (formerly Invitae), Labcorp); PubMed 20373070 (cited by Labcorp Genetics (formerly Invitae), Labcorp); PubMed 36436516 (cited by European Reference Network on Genetic Tumour Risk Syndromes (ERN-GENTURIS), i3s - Instituto de Investigação e Inovação em Saúde, University of Porto).